The following is an entry in ClinVar:

ClinVar aggregate classification (germline): Uncertain significance/Uncertain risk allele. Review status: criteria provided, multiple submitters, no conflicts (2 of 4 stars). 4 submissions from 4 submitters: Uncertain significance (3); Uncertain risk allele (1). Last evaluated 2024-04-23.

Conditions:
Maturity-onset diabetes of the young type 3. Also called: MODY type 3; MODY, type III. Identifiers: Orphanet 552, MedGen C1838100, MeSH C563933, MONDO:0010894, OMIM 600496. Disease mechanism: loss of function.
Diabetes mellitus type 1 (T1D). Also called: Diabetes Mellitus, Juvenile-Onset; Type I diabetes mellitus. Identifiers: MedGen C0011854, MONDO:0005147, OMIM 222100, HP:0100651.
Type 2 diabetes mellitus. Also called: Type II diabetes mellitus. Identifiers: MedGen C0011860, MeSH D003924, MONDO:0005148, OMIM 125853, HP:0005978.
Hepatic adenomas, familial. Also called: LIVER CELL ADENOMAS, FAMILIAL; HEPATIC ADENOMA, SOMATIC. Identifiers: MedGen C1840646, MONDO:0007718, OMIM 142330.
Type 1 diabetes mellitus 20 (T1D20). Also called: Diabetes mellitus, insulin-dependent, 20. Identifiers: MedGen C2675866, MONDO:0012919, OMIM 612520.
Nonpapillary renal cell carcinoma. Identifiers: Orphanet 422526, MedGen CN074294, MONDO:0007763, OMIM 144700.
Maturity-onset diabetes of the young (MODY). Also called: Maturity onset diabetes mellitus in young. Identifiers: Orphanet 552, MedGen C0342276, MONDO:0018911, HP:0004904.

Allele frequency attached by ClinVar (database versions not stated): gnomAD 0.00001; gnomAD exomes 0.00001; TOPMed 0.00002.
gnomAD v4.1: 13 of 1,613,108 alleles (0.00081%); highest among the groups gnomAD compares: African/African-American, 0.004%; no homozygotes.

Submissions (4):

Fulgent Genetics
Classification: Uncertain significance for Type 2 diabetes mellitus; Hepatic adenomas, familial; Nonpapillary renal cell carcinoma; Diabetes mellitus type 1; Maturity-onset diabetes of the young type 3; Type 1 diabetes mellitus 20. Last evaluated: 2024-04-23. Review status: criteria provided, single submitter. Criteria: ACMG Guidelines, 2015. Collection method: clinical testing. Allele origin: germline.

Labcorp Genetics (formerly Invitae), Labcorp
Classification: Uncertain significance. Last evaluated: 2023-12-11. Review status: criteria provided, single submitter. Criteria: Invitae Variant Classification Sherloc (09022015). Collection method: clinical testing. Allele origin: germline.
Comment: This sequence change replaces valine, which is neutral and non-polar, with alanine, which is neutral and non-polar, at codon 590 of the HNF1A protein (p.Val590Ala). This variant is not present in population databases (gnomAD no frequency). This variant has not been reported in the literature in individuals affected with HNF1A-related conditions. ClinVar contains an entry for this variant (Variation ID: 994545). An algorithm developed to predict the effect of missense changes on protein structure and function (PolyPhen-2) suggests that this variant is likely to be tolerated. In summary, the available evidence is currently insufficient to determine the role of this variant in disease. Therefore, it has been classified as a Variant of Uncertain Significance.

Athena Diagnostics
Classification: Uncertain significance. Last evaluated: 2020-07-07. Review status: criteria provided, single submitter. Criteria: Athena Diagnostics Criteria. Collection method: clinical testing. Allele origin: unknown.

Clinical Genomics, Uppaluri K&H Personalized Medicine Clinic
Classification: Uncertain risk allele for Maturity-onset diabetes of the young. Review status: criteria provided, single submitter. Criteria: K & H Uppaluri Personalized Medicine Clinic Variant Classification & Assertion Criteria_Updated V.1. Collection method: research. Allele origin: unknown. Inheritance: Autosomal dominant inheritance.
Comment: Mutations in HNF1A gene can predispose to MODY3. It is associated with both micro and macrovascular complications of diabetes, especially cardiovascular complications. Associated with glucosuria. May respond well to sulfonylureas. However, more evidence is required to confer the association of this particular variant rs928744634 with MODY3.

Literature cited by the submitters: PubMed 31517624 (cited by Clinical Genomics, Uppaluri K&H Personalized Medicine Clinic); PubMed 32395877 (cited by Clinical Genomics, Uppaluri K&H Personalized Medicine Clinic); PubMed 35328643 (cited by Clinical Genomics, Uppaluri K&H Personalized Medicine Clinic); PubMed 35673428 (cited by Clinical Genomics, Uppaluri K&H Personalized Medicine Clinic).

NM_000545.8(HNF1A):c.1769T>C (p.Val590Ala)

Genes: C12orf43 (chromosome 12 open reading frame 43; minus strand), HNF1A (HNF1 homeobox A; plus strand). Cytogenetic location: 12q24.31.
Variant type: single nucleotide variant.
Coding change: c.1769T>C on transcript NM_000545.8 (MANE Select); coding-DNA position 1769, T replaced by C.
Protein change: p.Val590Ala; replaces valine 590 with alanine.
Molecular consequence: missense variant. On other transcripts: 3 prime UTR variant (3).
Genome position (GRCh38, 1-based): chr12:121,001,065, T>C. VCF-style: chr12-121001065-T-C. GRCh37 (hg19) VCF-style: chr12-121438868-T-C.
Other names: c.*3088A>G (NM_001286191.2, NM_001286196.2, NM_022895.3); c.1790T>C, p.Val597Ala (NM_001306179.2); c.1577T>C, p.Val526Ala (NM_001406915.1); short protein forms V590A, V597A, V526A.
Identifiers: ClinVar variation 994545 (VCV000994545.8), dbSNP rs928744634, ClinGen allele CA244513415.
Genomic context (GRCh38, chr12:121,001,065, plus strand): 5'-GGCAGGTGGGGTGGGTGTGGGTGCCTGGTGGGTGGCTAGCAGCCTTGTTTGCCTCTGCAG[T>C]GTCCTCCAGCAGCCTGGTGCTGTACCAGAGCTCAGACTCCAGCAATGGCCAGAGCCACCT-3'
Protein context (NP_000536.6, residues 580-600): PAHRLSASPT[Val590Ala]SSSSLVLYQS